The following is an entry in ClinVar:

ClinVar aggregate classification (germline): Uncertain significance. Review status: criteria provided, multiple submitters, no conflicts (2 of 4 stars). 3 submissions from 3 submitters: Uncertain significance (3). Last evaluated 2025-12-16.

Conditions:
Emery-Dreifuss muscular dystrophy 5, autosomal dominant (EDMD5). Also called: EMERY-DREIFUSS MUSCULAR DYSTROPHY 5. Identifiers: Orphanet 261, MedGen C2751805, MONDO:0013072, OMIM 612999.

Allele frequency attached by ClinVar (database versions not stated): gnomAD 0.00003 and 0.00004; ExAC 0.00004; gnomAD exomes 0.00004; TOPMed 0.00004; ESP Exome Variant Server 0.00015; 1000 Genomes Project 30x 0.00016; 1000 Genomes Project 0.00020.
gnomAD v4.1: 87 of 1,614,154 alleles (0.0054%); highest among the groups gnomAD compares: Middle Eastern, 0.017%; no homozygotes.

Submissions (3):

Labcorp Genetics (formerly Invitae), Labcorp
Classification: Uncertain significance for Emery-Dreifuss muscular dystrophy 5, autosomal dominant. Last evaluated: 2025-12-16. Review status: criteria provided, single submitter. Criteria: Invitae Variant Classification Sherloc (09022015). Collection method: clinical testing. Allele origin: germline.
Comment: This sequence change replaces alanine, which is neutral and non-polar, with valine, which is neutral and non-polar, at codon 4742 of the SYNE2 protein (p.Ala4742Val). This variant is present in population databases (rs373034895, gnomAD 0.007%). This variant has not been reported in the literature in individuals affected with SYNE2-related conditions. ClinVar contains an entry for this variant (Variation ID: 313599). An algorithm developed to predict the effect of missense changes on protein structure and function (PolyPhen-2) suggests that this variant is likely to be disruptive. In summary, the available evidence is currently insufficient to determine the role of this variant in disease. Therefore, it has been classified as a Variant of Uncertain Significance.

Ambry Genetics
Classification: Uncertain significance. Last evaluated: 2025-12-08. Review status: criteria provided, single submitter. Criteria: Ambry Variant Classification Scheme 2023. Collection method: clinical testing. Allele origin: germline.

Illumina Laboratory Services, Illumina
Classification: Uncertain significance for Emery-Dreifuss muscular dystrophy 5, autosomal dominant. Last evaluated: 2018-01-12. Review status: criteria provided, single submitter. Criteria: ICSL Variant Classification Criteria 13 December 2019. Collection method: clinical testing. Allele origin: germline.

NM_182914.3(SYNE2):c.14225C>T (p.Ala4742Val)

Gene: SYNE2 (spectrin repeat containing nuclear envelope protein 2; plus strand). Cytogenetic location: 14q23.2.
Variant type: single nucleotide variant.
Coding change: c.14225C>T on transcript NM_182914.3 (MANE Select); coding-DNA position 14225, C replaced by T.
Protein change: p.Ala4742Val; replaces alanine 4742 with valine.
Molecular consequence: missense variant.
Genome position (GRCh38, 1-based): chr14:64,130,133, C>T. VCF-style: chr14-64130133-C-T. GRCh37 (hg19) VCF-style: chr14-64596851-C-T.
Other names: c.14225C>T, p.Ala4742Val (NM_015180.6); short protein forms A4742V.
Identifiers: ClinVar variation 313599 (VCV000313599.14), dbSNP rs373034895, ClinGen allele CA7222721.